The following is an entry in ClinVar:

ClinVar aggregate classification (germline): Likely benign. Review status: criteria provided, multiple submitters, no conflicts (2 of 4 stars). 4 submissions from 4 submitters: Likely benign (3). 1 of the submissions does not count toward it. Last evaluated 2026-01-07.

Conditions:
SLC29A3-related disorder. Also called: SLC29A3-related condition.
H syndrome. Also called: HISTIOCYTOSIS AND LYMPHADENOPATHY WITH OR WITHOUT CUTANEOUS, CARDIAC, AND/OR ENDOCRINE FEATURES, JOINT CONTRACTURES, AND/OR DEAFNESS; HYPERPIGMENTATION, CUTANEOUS, WITH HYPERTRICHOSIS, HEPATOSPLENOMEGALY, HEART ANOMALIES, AND HYPOGONADISM WITH OR WITHOUT HEARING LOSS; PIGMENTED HYPERTRICHOSIS WITH INSULIN-DEPENDENT DIABETES MELLITUS; ROSAI-DORFMAN DISEASE, FAMILIAL; SINUS HISTIOCYTOSIS AND MASSIVE LYMPHADENOPATHY; Hyperpigmentation, Cutaneous, with Hypertrichosis, Hepatosplenomegaly, Heart Anomalies, Hearing Loss, and Hypogonadism. Identifiers: Orphanet 168569, MedGen C1864445, MONDO:0011273, OMIM 602782.

Allele frequency attached by ClinVar (database versions not stated): ESP Exome Variant Server 0.00015; TOPMed 0.00018; 1000 Genomes Project 30x 0.00031; 1000 Genomes Project 0.00040.

Submissions (4):

Labcorp Genetics (formerly Invitae), Labcorp
Classification: Likely benign for H syndrome. Last evaluated: 2026-01-07. Review status: criteria provided, single submitter. Criteria: Invitae Variant Classification Sherloc (09022015). Collection method: clinical testing. Allele origin: germline.

Mayo Clinic Laboratories, Mayo Clinic
Classification: Likely benign. Last evaluated: 2025-02-25. Review status: criteria provided, single submitter. Criteria: ACMG Guidelines, 2015. Collection method: clinical testing. Allele origin: germline. Observed: 1 variant allele.
Comment: BS1, BP4, BP7

Blueprint Genetics
Classification: Likely benign. Last evaluated: 2024-10-15. Review status: criteria provided, single submitter. Criteria: ACMG Guidelines, 2015. Collection method: clinical testing. Allele origin: germline.

PreventionGenetics, part of Exact Sciences
Classification: Likely benign for SLC29A3-related condition. Last evaluated: 2019-02-28. Review status: no assertion criteria provided. Collection method: clinical testing. Allele origin: germline. Not counted in ClinVar's aggregate classification.
Comment: This variant is classified as likely benign based on ACMG/AMP sequence variant interpretation guidelines (Richards et al. 2015 PMID: 25741868, with internal and published modifications).

NM_018344.6(SLC29A3):c.159A>T (p.Thr53=)

Gene: SLC29A3 (solute carrier family 29 member 3; plus strand). Cytogenetic location: 10q22.1.
Variant type: single nucleotide variant.
Coding change: c.159A>T on transcript NM_018344.6 (MANE Select); coding-DNA position 159, A replaced by T.
Protein change: p.Thr53=; no amino-acid change (threonine 53 retained).
Molecular consequence: synonymous variant. On other transcripts: 5 prime UTR variant (1), non-coding transcript variant (2).
Genome position (GRCh38, 1-based): chr10:71,322,913, A>T. VCF-style: chr10-71322913-A-T. GRCh37 (hg19) VCF-style: chr10-73082670-A-T.
Other names: p.Thr53=; c.159A>T, p.Thr53= (NM_001174098.2); c.-76A>T (NM_001363518.2).
Identifiers: ClinVar variation 714721 (VCV000714721.12), dbSNP rs150354424, ClinGen allele CA5542837.